The following is an entry in ClinVar:

NM_001048174.2(MUTYH):c.1144G>A (p.Glu382Lys)

Gene: MUTYH (mutY DNA glycosylase; minus strand). Cytogenetic location: 1p34.1.
Variant type: single nucleotide variant.
Coding change: c.1144G>A on transcript NM_001048174.2 (MANE Select); coding-DNA position 1144, G replaced by A.
Protein change: p.Glu382Lys; replaces glutamic acid 382 with lysine.
Molecular consequence: missense variant. On other transcripts: non-coding transcript variant (2).
Genome position (GRCh38, 1-based): chr1:45,331,515, C>T on the plus strand (G>A on the coding strand, the complement: MUTYH is on the minus strand). VCF-style: chr1-45331515-C-T. GRCh37 (hg19) VCF-style: chr1-45797187-C-T.
Other names: c.1144G>A, p.Glu382Lys (NM_001048171.2, NM_001048173.2, NM_001293195.2); c.1147G>A, p.Glu383Lys (NM_001048172.2); c.1228G>A, p.Glu410Lys (NM_001128425.2); c.1189G>A, p.Glu397Lys (NM_001293190.2); c.1177G>A, p.Glu393Lys (NM_001293191.2); c.868G>A, p.Glu290Lys (NM_001293192.2, NM_001293196.2); c.799G>A, p.Glu267Lys (NM_001350650.2, NM_001350651.2); c.1219G>A, p.Glu407Lys (NM_012222.3); short protein forms E410K, E382K, E393K, E397K, E407K, E267K, E290K, E383K.
Identifiers: ClinVar variation 142747 (VCV000142747.16), dbSNP rs587782690, ClinGen allele CA012360.

ClinVar aggregate classification (germline): Conflicting classifications of pathogenicity. Review status: criteria provided, conflicting classifications (1 of 4 stars). 4 submissions from 4 submitters: Uncertain significance (3); Likely benign (1). Last evaluated 2025-09-09.

Conditions:
Hereditary cancer-predisposing syndrome. Also called: Neoplastic Syndromes, Hereditary; Hereditary Cancer Syndrome; Tumor predisposition; Hereditary neoplastic syndrome. Identifiers: Orphanet 140162, MedGen C0027672, MeSH D009386, MONDO:0015356.
Familial adenomatous polyposis 2. Also called: COLORECTAL ADENOMATOUS POLYPOSIS, AUTOSOMAL RECESSIVE; ADENOMAS, MULTIPLE COLORECTAL, AUTOSOMAL RECESSIVE; MYH-associated polyposis; MUTYH-related attenuated familial adenomatous polyposis; FAP type 2; MUTYH-associated polyposis. Identifiers: Orphanet 220460, Orphanet 247798, MedGen C3272841, MONDO:0012041, OMIM 608456.

Allele frequency attached by ClinVar (database versions not stated): gnomAD 0.00001; gnomAD exomes below 0.00001; TOPMed 0.00001.
gnomAD v4.1: 3 of 1,613,930 alleles (0.00019%); highest among the groups gnomAD compares: Non-Finnish European, 0.00025%; no homozygotes.

Submissions (4):

Ambry Genetics
Classification: Likely benign for Hereditary cancer-predisposing syndrome. Last evaluated: 2025-09-09. Review status: criteria provided, single submitter. Criteria: Ambry Variant Classification Scheme 2023. Collection method: clinical testing. Allele origin: germline.

Labcorp Genetics (formerly Invitae), Labcorp
Classification: Uncertain significance for Familial adenomatous polyposis 2. Last evaluated: 2025-04-20. Review status: criteria provided, single submitter. Criteria: Invitae Variant Classification Sherloc (09022015). Collection method: clinical testing. Allele origin: germline.
Comment: This sequence change replaces glutamic acid, which is acidic and polar, with lysine, which is basic and polar, at codon 410 of the MUTYH protein (p.Glu410Lys). This variant is not present in population databases (gnomAD no frequency). This variant has not been reported in the literature in individuals affected with MUTYH-related conditions. ClinVar contains an entry for this variant (Variation ID: 142747). An algorithm developed to predict the effect of missense changes on protein structure and function (PolyPhen-2) suggests that this variant is likely to be tolerated. In summary, the available evidence is currently insufficient to determine the role of this variant in disease. Therefore, it has been classified as a Variant of Uncertain Significance.

Dasa
Classification: Uncertain significance. Last evaluated: 2024-12-23. Review status: criteria provided, single submitter. Criteria: DASA Assertion Criteria. Collection method: clinical testing. Allele origin: germline.
Comment: NM_001048174.2(MUTYH):c.1144G>A (p.Glu382Lys) is a missense variant that results in the substitution of glutamic acid with lysine. This variant is rare in population databases. Computational prediction algorithms are consistent with a benign effect. The currently available literature and clinical evidence are not sufficient to establish a definitive association between this variant and the reported condition. Therefore, this variant is classified as a variant of uncertain significance.

Color Diagnostics, LLC DBA Color Health
Classification: Uncertain significance for Hereditary cancer-predisposing syndrome. Last evaluated: 2024-03-11. Review status: criteria provided, single submitter. Criteria: ACMG Guidelines, 2015. Collection method: clinical testing. Allele origin: germline.
Comment: This missense variant replaces glutamic acid with lysine at codon 410 of the MUTYH protein. Computational prediction suggests that this variant may not impact protein structure and function. To our knowledge, functional studies have not been reported for this variant. This variant has not been reported in individuals affected with MUTYH-related disorders in the literature. This variant has not been identified in the general population by the Genome Aggregation Database (gnomAD). The available evidence is insufficient to determine the role of this variant in disease conclusively. Therefore, this variant is classified as a Variant of Uncertain Significance.